The following is an entry in ClinVar:

ClinVar aggregate classification (germline): Pathogenic (1 of 4 stars; one submission).

Allele frequency attached by ClinVar (database versions not stated): TOPMed 0.00001.

Submission:

Labcorp Genetics (formerly Invitae), Labcorp
Classification: Pathogenic. Last evaluated: 2023-01-04. Review status: criteria provided, single submitter. Criteria: Invitae Variant Classification Sherloc (09022015). Collection method: clinical testing. Allele origin: germline.
Comment: For these reasons, this variant has been classified as Pathogenic. This variant has not been reported in the literature in individuals affected with SLC6A19-related conditions. This variant is not present in population databases (gnomAD no frequency). This sequence change creates a premature translational stop signal (p.Trp56*) in the SLC6A19 gene. It is expected to result in an absent or disrupted protein product. Loss-of-function variants in SLC6A19 are known to be pathogenic (PMID: 15286787, 15286788).

Literature cited by the submitters: PubMed 15286787; PubMed 15286788.

NM_001003841.3(SLC6A19):c.167G>A (p.Trp56Ter)

Gene: SLC6A19 (solute carrier family 6 member 19; plus strand). Cytogenetic location: 5p15.33.
Variant type: single nucleotide variant.
Coding change: c.167G>A on transcript NM_001003841.3 (MANE Select); coding-DNA position 167, G replaced by A.
Protein change: p.Trp56Ter; replaces tryptophan 56 with a stop codon.
Molecular consequence: nonsense.
Genome position (GRCh38, 1-based): chr5:1,201,817, G>A. VCF-style: chr5-1201817-G-A. GRCh37 (hg19) VCF-style: chr5-1201932-G-A.
Other names: short protein forms W56*.
Identifiers: ClinVar variation 2169290 (VCV002169290.4), dbSNP rs1745712448, ClinGen allele CA359060866.